The following is an entry in ClinVar:

ClinVar aggregate classification (germline): Uncertain significance. Review status: criteria provided, multiple submitters, no conflicts (2 of 4 stars). 2 submissions from 2 submitters: Uncertain significance (2). Last evaluated 2025-12-30.

Conditions:
Hereditary cancer-predisposing syndrome. Also called: Hereditary Cancer Syndrome; Tumor predisposition; Hereditary neoplastic syndrome; Neoplastic Syndromes, Hereditary. Identifiers: Orphanet 140162, MedGen C0027672, MeSH D009386, MONDO:0015356.

Submissions (2):

Labcorp Genetics (formerly Invitae), Labcorp
Classification: Uncertain significance. Last evaluated: 2025-12-30. Review status: criteria provided, single submitter. Criteria: Invitae Variant Classification Sherloc (09022015). Collection method: clinical testing. Allele origin: germline.
Comment: This sequence change replaces tyrosine, which is neutral and polar, with asparagine, which is neutral and polar, at codon 816 of the POLE protein (p.Tyr816Asn). This variant is not present in population databases (gnomAD no frequency). This variant has not been reported in the literature in individuals affected with POLE-related conditions. ClinVar contains an entry for this variant (Variation ID: 1045855). Invitae Evidence Modeling of protein sequence and biophysical properties (such as structural, functional, and spatial information, amino acid conservation, physicochemical variation, residue mobility, and thermodynamic stability) indicates that this missense variant is expected to disrupt POLE protein function with a positive predictive value of 80%. In summary, the available evidence is currently insufficient to determine the role of this variant in disease. Therefore, it has been classified as a Variant of Uncertain Significance.

Ambry Genetics
Classification: Uncertain significance for Hereditary cancer-predisposing syndrome. Last evaluated: 2022-05-12. Review status: criteria provided, single submitter. Criteria: Ambry Variant Classification Scheme 2023. Collection method: clinical testing. Allele origin: germline.
Comment: The p.Y816N variant (also known as c.2446T>A), located in coding exon 21 of the POLE gene, results from a T to A substitution at nucleotide position 2446. The tyrosine at codon 816 is replaced by asparagine, an amino acid with dissimilar properties. This amino acid position is conserved. In addition, this alteration is predicted to be deleterious by in silico analysis. Since supporting evidence is limited at this time, the clinical significance of this alteration remains unclear.

NM_006231.4(POLE):c.2446T>A (p.Tyr816Asn)

Gene: POLE (DNA polymerase epsilon, catalytic subunit; minus strand). Cytogenetic location: 12q24.33.
Variant type: single nucleotide variant.
Coding change: c.2446T>A on transcript NM_006231.4 (MANE Select); coding-DNA position 2446, T replaced by A.
Protein change: p.Tyr816Asn; replaces tyrosine 816 with asparagine.
Molecular consequence: missense variant.
Genome position (GRCh38, 1-based): chr12:132,665,324, A>T on the plus strand (T>A on the coding strand, the complement: POLE is on the minus strand). VCF-style: chr12-132665324-A-T. GRCh37 (hg19) VCF-style: chr12-133241910-A-T.
Other names: short protein forms Y816N.
Identifiers: ClinVar variation 1045855 (VCV001045855.11), dbSNP rs2042769090, ClinGen allele CA387396982.
Genomic context (GRCh38, chr12:132,665,324, plus strand): 5'-TCCTCCCATAAGCCTCTCCCGGGCCCGGGCCCACCTACCCCTTGCGCATGACATAGCCAT[A>T]GAAGGAGTTCAGGATGCACTTGTGGGCCAGCTGCAGCGAGTCATACAGCACCTCCATGTT-3'
Protein context (NP_006222.2, residues 806-826): LAHKCILNSF[Tyr816Asn]GYVMRKGARW